The following is an entry in ClinVar:

ClinVar aggregate classification (germline): Likely pathogenic (1 of 4 stars; one submission).

Conditions:
CD55-related disorder. Also called: CD55-related condition.

Submission:

PreventionGenetics, part of Exact Sciences
Classification: Likely pathogenic for CD55-related condition. Last evaluated: 2023-08-09. Review status: criteria provided, single submitter. Criteria: ACMG Guidelines, 2015. Collection method: clinical testing. Allele origin: germline.
Comment: The CD55 c.101-2A>C variant is predicted to disrupt the AG splice acceptor site and interfere with normal splicing. To our knowledge, this variant has not been reported in the literature or in a large population database, indicating this variant is rare. Variants that disrupt the consensus splice acceptor site in CD55 are expected to be pathogenic. This variant is interpreted as likely pathogenic.

NM_000574.5(CD55):c.101-2A>C

Gene: CD55 (CD55 molecule (Cromer blood group); plus strand). Cytogenetic location: 1q32.2.
Variant type: single nucleotide variant.
Coding change: c.101-2A>C on transcript NM_000574.5 (MANE Select); the canonical splice acceptor site of the intron before coding-DNA position 101, A replaced by C.
Molecular consequence: splice acceptor variant.
Genome position (GRCh38, 1-based): chr1:207,322,380, A>C. VCF-style: chr1-207322380-A-C. GRCh37 (hg19) VCF-style: chr1-207495725-A-C.
Other names: c.101-2A>C (NM_001114752.3, NM_001300903.2, NM_001300904.2 and 1 more transcripts).
Identifiers: ClinVar variation 2631765 (VCV002631765.1), dbSNP rs2526922942, ClinGen allele CA344514941.